The following is an entry in ClinVar:

ClinVar aggregate classification (germline): Uncertain significance (1 of 4 stars; one submission).

Submission:

GeneDx
Classification: Uncertain significance. Last evaluated: 2025-08-16. Review status: criteria provided, single submitter. Criteria: GeneDx Variant Classification Process June 2021. Collection method: clinical testing. Allele origin: germline.
Comment: Not observed at significant frequency in large population cohorts (gnomAD); In silico analysis supports that this missense variant has a deleterious effect on protein structure/function; Has not been previously published as pathogenic or benign to our knowledge

NM_016312.3(WBP11):c.1555C>A (p.Pro519Thr)

Gene: WBP11 (WW domain binding protein 11; minus strand). Cytogenetic location: 12p12.3.
Variant type: single nucleotide variant.
Coding change: c.1555C>A on transcript NM_016312.3 (MANE Select); coding-DNA position 1555, C replaced by A.
Protein change: p.Pro519Thr; replaces proline 519 with threonine.
Molecular consequence: missense variant.
Genome position (GRCh38, 1-based): chr12:14,787,436, G>T on the plus strand (C>A on the coding strand, the complement: WBP11 is on the minus strand). VCF-style: chr12-14787436-G-T. GRCh37 (hg19) VCF-style: chr12-14940370-G-T.
Other names: short protein forms P519T.
Identifiers: ClinVar variation 3769759 (VCV003769759.2).